The following is an entry in ClinVar:

NM_177438.3(DICER1):c.2445C>G (p.His815Gln)

Gene: DICER1 (dicer 1, ribonuclease III; minus strand). Cytogenetic location: 14q32.13.
Variant type: single nucleotide variant.
Coding change: c.2445C>G on transcript NM_177438.3 (MANE Select); coding-DNA position 2445, C replaced by G.
Protein change: p.His815Gln; replaces histidine 815 with glutamine.
Molecular consequence: missense variant.
Genome position (GRCh38, 1-based): chr14:95,108,085, G>C on the plus strand (C>G on the coding strand, the complement: DICER1 is on the minus strand). VCF-style: chr14-95108085-G-C. GRCh37 (hg19) VCF-style: chr14-95574422-G-C.
Other names: c.2445C>G, p.His815Gln (NM_001195573.1, NM_001271282.3, NM_001291628.2 and 1 more transcripts); short protein forms H815Q.
Identifiers: ClinVar variation 1503505 (VCV001503505.9), dbSNP rs541826783, ClinGen allele CA265909492.
Genomic context (GRCh38, chr14:95,108,085, plus strand): 5'-ACCAGACTTCTTCAACTCAATGGATATGGTAACCTCTCCAGAGCGTGTGTACACAGGAAA[G>C]TGTGGAATCTTAGCAAAAGGAAATGTAAAGCACCCCTCAAAATTAACAGGTATTTTATTC-3'
Protein context (NP_803187.1, residues 805-825): LTAKPIPQIP[His815Gln]FPVYTRSGEV

ClinVar aggregate classification (germline): Uncertain significance (1 of 4 stars; one submission).

Conditions:
DICER1-related tumor predisposition. Also called: DICER1 syndrome; DICER1-related pleuropulmonary blastoma cancer predisposition syndrome. Identifiers: Orphanet 284343, MedGen C3839822, MONDO:0100216.

Submission:

Labcorp Genetics (formerly Invitae), Labcorp
Classification: Uncertain significance for DICER1-related tumor predisposition. Last evaluated: 2022-02-12. Review status: criteria provided, single submitter. Criteria: Invitae Variant Classification Sherloc (09022015). Collection method: clinical testing. Allele origin: germline.
Comment: This sequence change replaces histidine, which is basic and polar, with glutamine, which is neutral and polar, at codon 815 of the DICER1 protein (p.His815Gln). This variant is not present in population databases (gnomAD no frequency). This variant has not been reported in the literature in individuals affected with DICER1-related conditions. Algorithms developed to predict the effect of missense changes on protein structure and function are either unavailable or do not agree on the potential impact of this missense change (SIFT: "Tolerated"; PolyPhen-2: "Probably Damaging"; Align-GVGD: "Class C0"). RNA analysis performed to evaluate the impact of this missense change on mRNA splicing indicates it does not significantly alter splicing (Invitae). In summary, the available evidence is currently insufficient to determine the role of this variant in disease. Therefore, it has been classified as a Variant of Uncertain Significance.